The following is an entry in ClinVar:

NM_001105206.3(LAMA4):c.3704G>C (p.Arg1235Pro)

Gene: LAMA4 (laminin subunit alpha 4; minus strand). Cytogenetic location: 6q21.
Variant type: single nucleotide variant.
Coding change: c.3704G>C on transcript NM_001105206.3 (MANE Select); coding-DNA position 3704, G replaced by C.
Protein change: p.Arg1235Pro; replaces arginine 1235 with proline.
Molecular consequence: missense variant.
Genome position (GRCh38, 1-based): chr6:112,132,883, C>G on the plus strand (G>C on the coding strand, the complement: LAMA4 is on the minus strand). VCF-style: chr6-112132883-C-G. GRCh37 (hg19) VCF-style: chr6-112454085-C-G.
Other names: c.3683G>C (LRG_433t2); c.3683G>C, p.Arg1228Pro (NM_001105207.3, NM_002290.5); short protein forms R1228P, R1235P.
Identifiers: ClinVar variation 264592 (VCV000264592.5), dbSNP rs559725422, ClinGen allele CA10587622.

ClinVar aggregate classification (germline): Uncertain significance (1 of 4 stars; one submission).

Conditions:
Cardiovascular phenotype. Identifiers: MedGen CN230736.

gnomAD v4.1: 6 of 1,612,644 alleles (0.00037%); highest among the groups gnomAD compares: Admixed American, 0.0033%; no homozygotes.

Submission:

Ambry Genetics
Classification: Uncertain significance for Cardiovascular phenotype. Last evaluated: 2024-03-11. Review status: criteria provided, single submitter. Criteria: Ambry Variant Classification Scheme 2023. Collection method: clinical testing. Allele origin: germline.
Comment: The p.R1228P variant (also known as c.3683G>C), located in coding exon 27 of the LAMA4 gene, results from a G to C substitution at nucleotide position 3683. The arginine at codon 1228 is replaced by proline, an amino acid with dissimilar properties. This amino acid position is highly conserved in available vertebrate species. In addition, the in silico prediction for this alteration is inconclusive. The evidence for this gene-disease relationship is limited; therefore, the clinical significance of this alteration is unclear.